The following is an entry in ClinVar:

ClinVar aggregate classification (germline): Uncertain significance (1 of 4 stars; one submission).

Conditions:
Dyskeratosis congenita, autosomal recessive 5 (DKCB5). Identifiers: MedGen C3554656, MONDO:0014076, OMIM 615190.
Pulmonary fibrosis and/or bone marrow failure, Telomere-related, 3. Also called: PULMONARY FIBROSIS AND/OR BONE MARROW FAILURE SYNDROME, TELOMERE-RELATED, 3. Identifiers: Orphanet 2032, MedGen C4225346, MONDO:0014613, OMIM 616373.

Submission:

Labcorp Genetics (formerly Invitae), Labcorp
Classification: Uncertain significance for Dyskeratosis congenita, autosomal recessive 5; Pulmonary fibrosis and/or bone marrow failure, Telomere-related, 3. Last evaluated: 2022-04-06. Review status: criteria provided, single submitter. Criteria: Invitae Variant Classification Sherloc (09022015). Collection method: clinical testing. Allele origin: germline.
Comment: This sequence change replaces serine, which is neutral and polar, with tyrosine, which is neutral and polar, at codon 534 of the RTEL1 protein (p.Ser534Tyr). This variant is not present in population databases (gnomAD no frequency). This variant has not been reported in the literature in individuals affected with RTEL1-related conditions. Algorithms developed to predict the effect of missense changes on protein structure and function are either unavailable or do not agree on the potential impact of this missense change (SIFT: "Tolerated"; PolyPhen-2: "Probably Damaging"; Align-GVGD: "Class C0"). In summary, the available evidence is currently insufficient to determine the role of this variant in disease. Therefore, it has been classified as a Variant of Uncertain Significance.

NM_001283009.2(RTEL1):c.1601C>A (p.Ser534Tyr)

Genes: RTEL1 (regulator of telomere elongation helicase 1; plus strand), RTEL1-TNFRSF6B (RTEL1-TNFRSF6B readthrough (NMD candidate); plus strand). Cytogenetic location: 20q13.33.
Variant type: single nucleotide variant.
Coding change: c.1601C>A on transcript NM_001283009.2 (MANE Select); coding-DNA position 1601, C replaced by A.
Protein change: p.Ser534Tyr; replaces serine 534 with tyrosine.
Molecular consequence: missense variant. On other transcripts: non-coding transcript variant (1).
Genome position (GRCh38, 1-based): chr20:63,688,144, C>A. VCF-style: chr20-63688144-C-A. GRCh37 (hg19) VCF-style: chr20-62319497-C-A.
Other names: c.932C>A, p.Ser311Tyr (NM_001283010.1); c.1601C>A, p.Ser534Tyr (NM_016434.4); c.1673C>A, p.Ser558Tyr (NM_032957.5); short protein forms S558Y, S311Y, S534Y.
Identifiers: ClinVar variation 1947442 (VCV001947442.2), dbSNP rs2517117961, ClinGen allele CA409676974.